The following is an entry in ClinVar:

NC_000016.10:g.75556268C>T

Gene: TMEM231 (transmembrane protein 231; minus strand). Cytogenetic location: 16q23.1.
Variant type: single nucleotide variant.
Molecular consequence: missense variant (on NM_001077416.2).
Genome position: GRCh38 VCF-style: chr16-75556268-C-T. GRCh37 (hg19) VCF-style: chr16-75590166-C-T.
Other names: c.4G>A, p.Ala2Thr (NM_001077416.2); short protein forms A2T.
Identifiers: ClinVar variation 2417002 (VCV002417002.43), dbSNP rs1017051455, ClinGen allele CA283891098.

ClinVar aggregate classification (germline): Uncertain significance (1 of 4 stars; one submission).

Conditions:
Meckel syndrome, type 11 (MKS11). Identifiers: Orphanet 564, MedGen C3809352, MONDO:0014164, OMIM 615397.
Joubert syndrome 20 (JBTS20). Identifiers: Orphanet 475, MedGen C3554235, MONDO:0013994, OMIM 614970.

Allele frequency attached by ClinVar (database versions not stated): gnomAD exomes 0.00001.
gnomAD v4.1: 11 of 1,390,704 alleles (0.00079%); highest among the groups gnomAD compares: Non-Finnish European, 0.00093%; no homozygotes.

Submission:

Labcorp Genetics (formerly Invitae), Labcorp
Classification: Uncertain significance for Joubert syndrome 20; Meckel syndrome, type 11. Last evaluated: 2022-09-21. Review status: criteria provided, single submitter. Criteria: Invitae Variant Classification Sherloc (09022015). Collection method: clinical testing. Allele origin: germline.
Comment: This variant has not been reported in the literature in individuals affected with TMEM231-related conditions. Algorithms developed to predict the effect of missense changes on protein structure and function are either unavailable or do not agree on the potential impact of this missense change (SIFT: "Deleterious"; PolyPhen-2: "Not Available"; Align-GVGD: "Class C0"). In summary, the available evidence is currently insufficient to determine the role of this variant in disease. Therefore, it has been classified as a Variant of Uncertain Significance. This variant is not present in population databases (gnomAD no frequency). This sequence change replaces alanine, which is neutral and non-polar, with threonine, which is neutral and polar, at codon 2 of the TMEM231 protein (p.Ala2Thr).